The following is an entry in ClinVar:

ClinVar aggregate classification (germline): Likely pathogenic. Review status: criteria provided, multiple submitters, no conflicts (2 of 4 stars). 2 submissions from 2 submitters: Likely pathogenic (2). Last evaluated 2024-04-22.

Conditions:
Cardiovascular phenotype. Identifiers: MedGen CN230736.
Dilated cardiomyopathy 1G (CMD1G). Identifiers: Orphanet 154, MedGen C1858763, MONDO:0011400, OMIM 604145.
Autosomal recessive limb-girdle muscular dystrophy type 2J (LGMDR10). Also called: Limb-girdle muscular dystrophy, type 2J; MUSCULAR DYSTROPHY, LIMB-GIRDLE, AUTOSOMAL RECESSIVE 10. Identifiers: Orphanet 140922, MedGen C1837342, MONDO:0012127, OMIM 608807.

Allele frequency attached by ClinVar (database versions not stated): TOPMed below 0.00001; gnomAD 0.00001.
gnomAD v4.1: 4 of 1,613,336 alleles (0.00025%); highest among the groups gnomAD compares: Non-Finnish European, 0.00025%; no homozygotes.

Submissions (2):

Ambry Genetics
Classification: Likely pathogenic for Cardiovascular phenotype. Last evaluated: 2024-04-22. Review status: criteria provided, single submitter. Criteria: Ambry Variant Classification Scheme 2023. Collection method: clinical testing. Allele origin: germline.
Comment: The p.R23480* variant (also known as c.70438C>T), located in coding exon 177 of the TTN gene, results from a C to T substitution at nucleotide position 70438. This changes the amino acid from an arginine to a stop codon within coding exon 177. This exon is located in the A-band region of the N2-B isoform of the titin protein and is constitutively expressed in TTN transcripts (percent spliced in or PSI 100%). This alteration is expected to result in loss of function by premature protein truncation or nonsense-mediated mRNA decay. While truncating variants in TTN are present in 1-3% of the general population, truncating variants in the A-band are the most common cause of dilated cardiomyopathy (DCM) (Herman DS et al. N. Engl. J. Med., 2012 Feb;366:619-28; Roberts AM et al. Sci Transl Med, 2015 Jan;7:270ra6). TTN truncating variants encoded in constitutive exons (PSI >90%) have been found to be significantly associated with DCM regardless of their position in titin (Schafer S et al. Nat. Genet., 2017 01;49:46-53). This variant is also considered to be rare based on population cohorts in the Genome Aggregation Database (gnomAD). Based on the majority of available evidence to date, this variant is likely to be pathogenic.

Labcorp Genetics (formerly Invitae), Labcorp
Classification: Likely pathogenic for Dilated cardiomyopathy 1G; Autosomal recessive limb-girdle muscular dystrophy type 2J. Last evaluated: 2024-02-24. Review status: criteria provided, single submitter. Criteria: Invitae Variant Classification Sherloc (09022015). Collection method: clinical testing. Allele origin: germline.
Comment: This sequence change creates a premature translational stop signal (p.Arg32545*) in the TTN gene. While this is not anticipated to result in nonsense mediated decay, it is expected to create a truncated TTN protein. This variant is not present in population databases (gnomAD no frequency). This premature translational stop signal has been observed in individual(s) with dilated cardiomyopathy (Invitae). ClinVar contains an entry for this variant (Variation ID: 1345754). This variant is located in the A band of TTN (PMID: 25589632). Truncating variants in this region are significantly overrepresented in patients affected with dilated cardiomyopathy (PMID: 25589632). Truncating variants in this region have also been reported in individuals affected with autosomal recessive centronuclear myopathy (PMID: 23975875). In summary, the currently available evidence indicates that the variant is pathogenic, but additional data are needed to prove that conclusively. Therefore, this variant has been classified as Likely Pathogenic.

Literature cited by the submitters: PubMed 25589632 (cited by Labcorp Genetics (formerly Invitae), Labcorp); PubMed 23975875 (cited by Labcorp Genetics (formerly Invitae), Labcorp).

NM_001267550.2(TTN):c.97633C>T (p.Arg32545Ter)

Genes: TTN (titin; minus strand), TTN-AS1 (TTN antisense RNA 1; plus strand). Cytogenetic location: 2q31.2.
Variant type: single nucleotide variant.
Coding change: c.97633C>T on transcript NM_001267550.2 (MANE Select); coding-DNA position 97633, C replaced by T.
Protein change: p.Arg32545Ter; replaces arginine 32545 with a stop codon.
Molecular consequence: nonsense.
Genome position (GRCh38, 1-based): chr2:178,541,444, G>A on the plus strand (C>T on the coding strand, the complement: TTN is on the minus strand). VCF-style: chr2-178541444-G-A. GRCh37 (hg19) VCF-style: chr2-179406171-G-A.
Other names: c.92710C>T, p.Arg30904Ter (NM_001256850.1); c.70438C>T, p.Arg23480Ter (NM_003319.4); c.89929C>T, p.Arg29977Ter (NM_133378.4); c.70813C>T, p.Arg23605Ter (NM_133432.3); c.71014C>T, p.Arg23672Ter (NM_133437.4); short protein forms R30904*, R32545*, R23672*, R29977*, R23480*, R23605*.
Identifiers: ClinVar variation 1345754 (VCV001345754.9), dbSNP rs780653613, ClinGen allele CA60967027.
Genomic context (GRCh38, chr2:178,541,444, plus strand): 5'-TAAGGCCAGTGGAGCGGTACCGTGTCATTGTCACAGGTACTTTATTTACACGGACCCATC[G>A]ATCTGCTCTCACTTCTTTGCGCTCCACAATATATCCAGTCACTTGGGAGCCACCGTCATC-3'